The following is an entry in ClinVar:

ClinVar aggregate classification (germline): Uncertain significance (1 of 4 stars; one submission).

Conditions:
Familial isolated arrhythmogenic right ventricular dysplasia. Identifiers: Orphanet 217656, MedGen C4274968, MONDO:0016342.

gnomAD v4.1: 1 of 1,613,712 alleles (0.000062%); highest among the groups gnomAD compares: Admixed American, 0.0017%; no homozygotes.

Submission:

All of Us Research Program, National Institutes of Health
Classification: Uncertain significance for Familial isolated arrhythmogenic right ventricular dysplasia. Last evaluated: 2024-08-30. Review status: criteria provided, single submitter. Criteria: ACMG Guidelines, 2015. Collection method: clinical testing. Allele origin: germline. Inheritance: Autosomal dominant inheritance. Observed: 1 variant allele, 1 heterozygote.
Comment: This study involves interpretation of variants in research participants for the purpose of population health screening. Participant phenotype was not available at the time of variant classification. Additional details can be found in publication PMID: 35346344, PMCID: PMC8962531

NM_024422.6(DSC2):c.221T>C (p.Leu74Ser)

Gene: DSC2 (desmocollin 2; minus strand). Cytogenetic location: 18q12.1.
Variant type: single nucleotide variant.
Coding change: c.221T>C on transcript NM_024422.6 (MANE Select); coding-DNA position 221, T replaced by C.
Protein change: p.Leu74Ser; replaces leucine 74 with serine.
Molecular consequence: missense variant. On other transcripts: 5 prime UTR variant (2).
Genome position (GRCh38, 1-based): chr18:31,092,234, A>G on the plus strand (T>C on the coding strand, the complement: DSC2 is on the minus strand). VCF-style: chr18-31092234-A-G. GRCh37 (hg19) VCF-style: chr18-28672197-A-G.
Other names: c.-209T>C (NM_001406506.1, NM_001406507.1); c.221T>C, p.Leu74Ser (NM_004949.5); short protein forms L74S.
Identifiers: ClinVar variation 3386557 (VCV003386557.1).